The following is an entry in ClinVar:

ClinVar aggregate classification (germline): Pathogenic (1 of 4 stars; one submission).

Conditions:
Ehlers-Danlos syndrome, type 4 (EDSVASC). Also called: Ehlers-Danlos syndrome vascular type; Ehlers Danlos syndrome, ecchymotic type; Ehlers Danlos syndrome, arterial type; Ehlers Danlos syndrome, Sack-Barabas type; Ehlers-Danlos Syndrome Type IV. Identifiers: Orphanet 286, MedGen C0268338, MONDO:0017314, OMIM 130050.

Submission:

Labcorp Genetics (formerly Invitae), Labcorp
Classification: Pathogenic for Ehlers-Danlos syndrome, type 4. Last evaluated: 2025-07-08. Review status: criteria provided, single submitter. Criteria: Invitae Variant Classification Sherloc (09022015). Collection method: clinical testing. Allele origin: germline.
Comment: This sequence change creates a premature translational stop signal (p.Ser1395*) in the COL3A1 gene. It is expected to result in an absent or disrupted protein product. Loss-of-function variants in COL3A1 are known to be pathogenic (PMID: 24922459). This variant is not present in population databases (gnomAD no frequency). This variant has not been reported in the literature in individuals affected with COL3A1-related conditions. For these reasons, this variant has been classified as Pathogenic.

Literature cited by the submitters: PubMed 24922459.

NM_000090.4(COL3A1):c.4184C>A (p.Ser1395Ter)

Gene: COL3A1 (collagen type III alpha 1 chain; plus strand). Cytogenetic location: 2q32.2.
Variant type: single nucleotide variant.
Coding change: c.4184C>A on transcript NM_000090.4 (MANE Select); coding-DNA position 4184, C replaced by A.
Protein change: p.Ser1395Ter; replaces serine 1395 with a stop codon.
Molecular consequence: nonsense.
Genome position (GRCh38, 1-based): chr2:189,010,820, C>A. VCF-style: chr2-189010820-C-A. GRCh37 (hg19) VCF-style: chr2-189875546-C-A.
Other names: short protein forms S1395*.
Identifiers: ClinVar variation 4716191 (VCV004716191.1).
Genomic context (GRCh38, chr2:189,010,820, plus strand): 5'-GCATTGCATACATGGATCAGGCCAGTGGAAATGTAAAGAAGGCCCTGAAGCTGATGGGGT[C>A]AAATGAAGGTGAATTCAAGGCTGAAGGAAATAGCAAATTCACCTACACAGTTCTGGAGGA-3'